The following continues an entry in ClinVar:

NM_002834.5(PTPN11):c.218C>T (p.Thr73Ile)

Gene: PTPN11. ClinVar aggregate classification (germline): Pathogenic. Pathogenic (23). ClinVar aggregate classification (oncogenicity): Uncertain significance.

Submissions 9 to 28 of 30:

3billion
Classification: Pathogenic for Noonan syndrome 1. Last evaluated: 2023-08-16. Review status: criteria provided, single submitter. Criteria: ACMG Guidelines, 2015. Collection method: clinical testing. Allele origin: germline. Affected: yes.
Comment: The variant is not observed in the gnomAD v2.1.1 dataset. Predicted Consequence/Location: The variant is located in a mutational hot spot and/or well-established functional domain in which established pathogenic variants have been reported. Missense changes are a common disease-causing mechanism. In silico tool predictions suggest damaging effect of the variant on gene or gene product [REVEL: 0.95 (>=0.6, sensitivity 0.68 and specificity 0.92); 3Cnet: 0.99 (>=0.6, sensitivity 0.72 and precision 0.9)]. Same nucleotide change resulting in same amino acid change has been previously reported as pathogenic/likely pathogenic with strong evidence (ClinVar ID: VCV000013334 /PMID: 11992261 /3billion dataset). The variant has been previously reported as de novo in a similarly affected individual (PMID: 23446178). The variant has been observed in multiple (>3) similarly affected unrelated individuals (PMID: 23446178, 25097206). Different missense changes at the same codon (p.Thr73Ala, p.Thr73Leu, p.Thr73Pro) have been reported as pathogenic/likely pathogenic with strong evidence (ClinVar ID: VCV000040501, VCV000044604, VCV002186260 /PMID: 22465605 /3billion dataset). Therefore, this variant is classified as Pathogenic according to the recommendation of ACMG/AMP guideline.

Blueprint Genetics
Classification: Pathogenic for PTPN11-related disorders. Last evaluated: 2022-11-07. Review status: criteria provided, single submitter. Criteria: ACMG Guidelines, 2015. Collection method: clinical testing. Allele origin: germline. Affected: yes. Observed: 2 variant alleles.

Baylor Genetics
Classification: Pathogenic for Noonan syndrome 1. Last evaluated: 2022-11-01. Review status: criteria provided, single submitter. Criteria: ACMG Guidelines, 2015. Collection method: clinical testing. Allele origin: unknown.

Baylor Genetics
Classification: Pathogenic for Metachondromatosis. Last evaluated: 2022-11-01. Review status: criteria provided, single submitter. Criteria: ACMG Guidelines, 2015. Collection method: clinical testing. Allele origin: unknown.

Baylor Genetics
Classification: Pathogenic for LEOPARD syndrome 1. Last evaluated: 2022-11-01. Review status: criteria provided, single submitter. Criteria: ACMG Guidelines, 2015. Collection method: clinical testing. Allele origin: unknown.

Genome Diagnostics Laboratory, The Hospital for Sick Children
Classification: Pathogenic for Noonan syndrome and Noonan-related syndrome. Last evaluated: 2021-05-25. Review status: criteria provided, single submitter. Criteria: ACMG Guidelines, 2015. Collection method: clinical testing. Allele origin: germline. Affected: yes.

Cambridge Genomics Laboratory, East Genomic Laboratory Hub, NHS Genomic Medicine Service
Classification: Pathogenic for Intellectual disability. Last evaluated: 2019-11-26. Review status: criteria provided, single submitter. Criteria: ACGS Best Practice Guidelines for Variant Classification in Rare Disease 2020. Collection method: clinical testing. Allele origin: germline. Affected: yes. Observed: 1 variant allele.

Cambridge Genomics Laboratory, East Genomic Laboratory Hub, NHS Genomic Medicine Service
Classification: Pathogenic for Vascular disorder. Last evaluated: 2019-08-08. Review status: criteria provided, single submitter. Criteria: ACGS Best Practice Guidelines for Variant Classification in Rare Disease 2020. Collection method: clinical testing. Allele origin: germline. Affected: yes. Observed: 1 variant allele.

Women's Health and Genetics/Laboratory Corporation of America, LabCorp
Classification: Pathogenic for Noonan syndrome. Last evaluated: 2019-04-06. Review status: criteria provided, single submitter. Criteria: LabCorp Variant Classification Summary - May 2015. Collection method: clinical testing. Allele origin: germline.
Comment: Variant summary: PTPN11 c.218C>T (p.Thr73Ile) results in a non-conservative amino acid change located in the SH2 domain (IPR000980) of the encoded protein sequence. Five of five in-silico tools predict a damaging effect of the variant on protein function. The variant was absent in 276806 control chromosomes. c.218C>T has been reported in the literature in multiple individuals affected with Noonan Syndrome and Juvenile Myelomonocyttic Leukema (JMML) (Tartaglia_2002, Tartaglia_2003, Niihori_2005, Kratz_2005, Kosaki_2002, Jongmans_2005). These data indicate that the variant is very likely to be associated with disease. At least one publication reports experimental evidence evaluating an impact on protein function. The most pronounced variant effect results in enhanced phosphatase activity of mutant SHP-2. Five clinical diagnostic laboratories have submitted clinical-significance assessments for this variant to ClinVar after 2014 without evidence for independent evaluation. All laboratories classified the variant as pathogenic. Based on the evidence outlined above, the variant was classified as pathogenic.

Fulgent Genetics
Classification: Pathogenic for LEOPARD syndrome 1; Metachondromatosis; Noonan syndrome 1; Juvenile myelomonocytic leukemia. Last evaluated: 2017-05-18. Review status: criteria provided, single submitter. Criteria: ACMG Guidelines, 2015. Collection method: clinical testing. Allele origin: unknown.

Center for Pediatric Genomic Medicine, Children's Mercy Hospital and Clinics
Classification: Pathogenic. Last evaluated: 2016-10-28. Review status: criteria provided, single submitter. Criteria: ACMG Guidelines, 2015. Collection method: clinical testing. Allele origin: germline.

Laboratory for Molecular Medicine, Mass General Brigham Personalized Medicine
Classification: Pathogenic for Noonan syndrome. Last evaluated: 2016-10-12. Review status: criteria provided, single submitter. Criteria: LMM Criteria. Collection method: clinical testing. Allele origin: germline. Inheritance: Autosomal dominant inheritance. Observed: 10 variant alleles.
Comment: proposed classification - variant undergoing re-assessment, contact laboratory

Ambry Genetics
Classification: Pathogenic for Cardiovascular phenotype. Last evaluated: 2016-04-01. Review status: criteria provided, single submitter. Criteria: Ambry Variant Classification Scheme 2023. Collection method: clinical testing. Allele origin: germline.
Comment: The p.T73I pathogenic mutation (also known as c.218C>T), located in coding exon 3 of the PTPN11 gene, results from a C to T substitution at nucleotide position 218. The threonine at codon 73 is replaced by isoleucine, an amino acid with similar properties. This mutation has been described in the literature in multiple individuals with Noonan syndrome (Tartaglia M, Am. J. Hum. Genet. 2002 Jun; 70(6):1555-63; Kosaki K, J. Clin. Endocrinol. Metab. 2002 Aug; 87(8):3529-33) as well as in Noonan patients with accompanying Myeloproliferative disorders (MPD) or Juvenile myelomonocytic leukemia (JMML) (Kratz CP, Blood 2005 Sep; 106(6):2183-5. T; Niihori T, J. Hum. Genet. 2005; 50(4):192-202). This alteration has also been reported as a somatic mutation in individuals with hematologic malignancies (Tartaglia M, Am. J. Hum. Genet. 2006 Feb; 78(2):279-90). In addition, functional studies have shown a statistically significant increase in phosphatase activity in cells expressing the p.T73I mutation, when compared to wild-type (Niihori T, J. Hum. Genet. 2005; 50(4):192-202; Tartaglia M, Am. J. Hum. Genet. 2006 Feb; 78(2):279-90). Based on the supporting evidence, p.T73I is interpreted as a disease-causing mutation.

Clinical Genetics Service, Universitary Hospital 12 de Octubre
Classification: Pathogenic for Noonan syndrome 1. Review status: criteria provided, single submitter. Criteria: ACMG Guidelines, 2015. Collection method: clinical testing. Allele origin: germline. Affected: yes.

Imagene.me medical diagnostic laboratory, IMAGENE.ME SA
Classification: Pathogenic for Noonan syndrome 1. Review status: criteria provided, single submitter. Criteria: IMAGENE.ME Variant Classification SOP 2022. Collection method: clinical testing. Allele origin: de novo. Affected: yes.
Comment: Classified according to the IMAGENE.ME variant classification SOP based on the ACMG guidelines as Pathogenic (P): PS4 + PS2 + PM5 + PM2 + PM1 + PP3_Moderate + PP5 + PP4 + PP2

Juno Genomics, Hangzhou Juno Genomics, Inc
Classification: Pathogenic for Noonan syndrome 1. Review status: criteria provided, single submitter. Criteria: ACMG Guidelines, 2015. Collection method: clinical testing. Allele origin: germline. Affected: yes.
Comment: Absent from controls (or at extremely low frequency if recessive) in Genome Aggregation Database, Exome Sequencing Project, 1000 Genomes Project, or Exome Aggregation Consortium.;Missense variant in a gene that has a low rate of benign missense variation and where missense variants are a common mechanism of disease.;Multiple lines of computational evidence support a deleterious effect on the gene or gene product (conservation, evolutionary, splicing impact, etc).;The prevalence of the variant in affected individuals is significantly increased compared to the prevalence in controls.;De novo (both maternity and paternity confirmed) in a patient with the disease and no family history.;Located in a mutational hot spot and/or critical and well-established functional domain (e.g. active site of an enzyme) without benign variation.

ARUP Laboratories, Molecular Genetics and Genomics, ARUP Laboratories
Classification: Pathogenic for Noonan syndrome. Last evaluated: 2012-06-12. Review status: no assertion criteria provided. Collection method: clinical testing. Allele origin: germline. Affected: yes. Observed: 1 variant allele. Not counted in ClinVar's aggregate classification.

OMIM
Classification: Pathogenic for NOONAN SYNDROME 1. Last evaluated: 2005-04-15. Review status: no assertion criteria provided. Collection method: literature only. Allele origin: germline. Not counted in ClinVar's aggregate classification.

Baylor Genetics
Classification: Pathogenic for Rasopathy. Review status: no assertion criteria provided. Collection method: clinical testing. Allele origin: unknown. Affected: yes. Not counted in ClinVar's aggregate classification.
Comment: Variant classified using ACMG guidelines

Diagnostic Laboratory, Department of Genetics, University Medical Center Groningen
Classification: Pathogenic. Review status: no assertion criteria provided. Collection method: clinical testing. Allele origin: germline. Affected: yes. Study: VKGL Data-share Consensus. Not counted in ClinVar's aggregate classification.